The following is an entry in ClinVar:

NM_014491.4(FOXP2):c.564G>A (p.Gln188=)

Gene: FOXP2 (forkhead box P2; plus strand). Cytogenetic location: 7q31.1.
Variant type: single nucleotide variant.
Coding change: c.564G>A on transcript NM_014491.4 (MANE Select); coding-DNA position 564, G replaced by A.
Protein change: p.Gln188=; no amino-acid change (glutamine 188 retained).
Molecular consequence: synonymous variant. On other transcripts: non-coding transcript variant (2).
Genome position (GRCh38, 1-based): chr7:114,629,972, G>A. VCF-style: chr7-114629972-G-A. GRCh37 (hg19) VCF-style: chr7-114270027-G-A.
Other names: c.564G>A, p.Gln188= (NM_001172766.3, NM_148899.3); c.639G>A, p.Gln213= (NM_001172767.2, NM_148898.4); c.615G>A, p.Gln205= (NM_148900.4).
Identifiers: ClinVar variation 589411 (VCV000589411.15), dbSNP rs746754336, ClinGen allele CA4445849.

ClinVar aggregate classification (germline): Likely benign. Review status: criteria provided, multiple submitters, no conflicts (2 of 4 stars). 2 submissions from 2 submitters: Likely benign (2). Last evaluated 2025-05-01.

Conditions:
Inborn genetic diseases. Identifiers: MedGen C0950123, MeSH D030342.

Allele frequency attached by ClinVar (database versions not stated): ExAC 0.00006; gnomAD exomes 0.00006.
gnomAD v4.1: 13 of 1,611,094 alleles (0.00081%); highest among the groups gnomAD compares: Admixed American, 0.022%; no homozygotes.

Submissions (2):

CeGaT Center for Human Genetics Tuebingen
Classification: Likely benign. Last evaluated: 2025-05-01. Review status: criteria provided, single submitter. Criteria: CeGaT Center For Human Genetics Tuebingen Variant Classification Criteria Version 2. Collection method: clinical testing. Allele origin: germline. Affected: yes. Observed: 1 variant allele.
Comment: FOXP2: BP4, BP7

Ambry Genetics
Classification: Likely benign for Inborn genetic diseases. Last evaluated: 2016-09-28. Review status: criteria provided, single submitter. Criteria: Ambry Variant Classification Scheme 2023. Collection method: clinical testing. Allele origin: germline.